The following is an entry in ClinVar:

ClinVar aggregate classification (germline): Uncertain significance (0 of 4 stars; one submission).

Conditions:
Prostate cancer. Also called: Malignant tumor of prostate. Identifiers: Orphanet 1331, MedGen C0376358, MONDO:0008315, HP:0012125.

Submission:

Science for Life laboratory,  Karolinska Institutet
Classification: Uncertain significance for Malignant tumor of prostate. Review status: no assertion criteria provided. Collection method: not provided. Allele origin: somatic.
Comment: TumorID:SWE-3
ClinVar note: Converted during submission from Unknown to Uncertain significance.

NM_001191061.2(SLC25A22):c.178G>T (p.Glu60Ter)

Gene: SLC25A22 (solute carrier family 25 member 22; minus strand). Cytogenetic location: 11p15.5.
Variant type: single nucleotide variant.
Coding change: c.178G>T on transcript NM_001191061.2 (MANE Select); coding-DNA position 178, G replaced by T.
Protein change: p.Glu60Ter; replaces glutamic acid 60 with a stop codon.
Molecular consequence: nonsense.
Genome position (GRCh38, 1-based): chr11:794,482, C>A on the plus strand (G>T on the coding strand, the complement: SLC25A22 is on the minus strand). VCF-style: chr11-794482-C-A. GRCh37 (hg19) VCF-style: chr11-794482-C-A.
Other names: c.178G>T, p.Glu60Ter (NM_001191060.2, NM_024698.6); short protein forms E60*.
Identifiers: ClinVar variation 161560 (VCV000161560.2), dbSNP rs193920962, ClinGen allele CA174341.
Genomic context (GRCh38, chr11:794,482, plus strand): 5'-CCTGCCCATATCGAGCCCAGCCGAGCCAAACCTCACCCCGGTACATGCCGAAGTAGCCCT[C>A]GGAGCGGACGGTCTTGATGAGGCAGTCGGACCTGTGGCCAAGGGGACAGGGTGAGCCAGG-3'